The following is an entry in ClinVar:

NM_000091.5(COL4A3):c.1778G>A (p.Gly593Glu)

Genes: COL4A3 (collagen type IV alpha 3 chain; plus strand), MFF-DT (MFF divergent transcript; minus strand). Cytogenetic location: 2q36.3.
Variant type: single nucleotide variant.
Coding change: c.1778G>A on transcript NM_000091.5 (MANE Select); coding-DNA position 1778, G replaced by A.
Protein change: p.Gly593Glu; replaces glycine 593 with glutamic acid.
Molecular consequence: missense variant.
Genome position (GRCh38, 1-based): chr2:227,272,968, G>A. VCF-style: chr2-227272968-G-A. GRCh37 (hg19) VCF-style: chr2-228137684-G-A.
Other names: p.(Gly593Glu); short protein forms G593E.
Identifiers: ClinVar variation 4853853 (VCV004853853.1).

ClinVar aggregate classification (germline): Likely pathogenic (1 of 4 stars; one submission).

Conditions:
Hematuria, benign familial, 2 (BFH2). Identifiers: MedGen C5830421, MONDO:0958186, OMIM 620320.

gnomAD v4.1: 1 of 1,614,084 alleles (0.000062%); highest among the groups gnomAD compares: South Asian, 0.0011%; no homozygotes.

Submission:

Centre de Génétique Humaine, Institut de Pathologie Et de Génétique
Classification: Likely pathogenic for Hematuria, benign familial, 2. Last evaluated: 2026-04-02. Review status: criteria provided, single submitter. Criteria: ACMG Guidelines, 2015. Collection method: clinical testing. Allele origin: germline. Inheritance: Autosomal dominant inheritance. Affected: yes. Observed: 1 variant allele, 1 heterozygote. Segregation with disease not observed.
Comment: This missense variant involves a highly conserved glycine located in a ‘Gly-X-Y’ motif in collagenous region, which is characteristic of the pathogenic variants identified in the COL4A3 gene (PM1,PP2). This variant is rare: allelic frequency of 0.000062% in gnomAD v4.1.0 database (PM2); In silico analysis supports that this missense variant has a deleterious effect (PP3). Detected in a patient with AD Alport S (PMID: 41872207) (PP5)

Literature cited by the submitters: PubMed 41872207.